The following is an entry in ClinVar:

ClinVar aggregate classification (germline): Uncertain significance (1 of 4 stars; one submission).

Conditions:
Ataxia-telangiectasia syndrome (AT). Also called: LOUIS-BAR SYNDROME; Cerebello-oculocutaneous telangiectasia; Immunodeficiency with ataxia telangiectasia; Ataxia telangiectasia (A-T); Ataxia-telangiectasia, complementation group D; AT, COMPLEMENTATION GROUP C. Identifiers: Orphanet 100, MedGen C0004135, MONDO:0008840, OMIM 208900.

Submission:

Labcorp Genetics (formerly Invitae), Labcorp
Classification: Uncertain significance for Ataxia-telangiectasia syndrome. Last evaluated: 2021-01-08. Review status: criteria provided, single submitter. Criteria: Invitae Variant Classification Sherloc (09022015). Collection method: clinical testing. Allele origin: germline.
Comment: In summary, the available evidence is currently insufficient to determine the role of this variant in disease. Therefore, it has been classified as a Variant of Uncertain Significance. Advanced modeling of protein sequence and biophysical properties (such as structural, functional, and spatial information, amino acid conservation, physicochemical variation, residue mobility, and thermodynamic stability) performed at Invitae indicates that this missense variant is not expected to disrupt ATM protein function. This variant has not been reported in the literature in individuals with ATM-related conditions. This variant is not present in population databases (ExAC no frequency). This sequence change replaces alanine with valine at codon 2324 of the ATM protein (p.Ala2324Val). The alanine residue is weakly conserved and there is a small physicochemical difference between alanine and valine.

NM_000051.4(ATM):c.6971C>T (p.Ala2324Val)

Genes: ATM (ATM serine/threonine kinase; plus strand), C11orf65 (chromosome 11 open reading frame 65; minus strand). Cytogenetic location: 11q22.3.
Variant type: single nucleotide variant.
Coding change: c.6971C>T on transcript NM_000051.4 (MANE Select); coding-DNA position 6971, C replaced by T.
Protein change: p.Ala2324Val; replaces alanine 2324 with valine.
Molecular consequence: missense variant. On other transcripts: intron variant (2).
Genome position (GRCh38, 1-based): chr11:108,326,221, C>T. VCF-style: chr11-108326221-C-T. GRCh37 (hg19) VCF-style: chr11-108196948-C-T.
Other names: c.6971C>T, p.Ala2324Val (NM_001351834.2); c.641-17150G>A (NM_001330368.2); c.*38+8999G>A (NM_001351110.2); short protein forms A2324V.
Identifiers: ClinVar variation 1515166 (VCV001515166.8), dbSNP rs2136340286, ClinGen allele CA382557483.
Genomic context (GRCh38, chr11:108,326,221, plus strand): 5'-AGCAGAGTCTTGCCCTGAGTATTCTCAAGCAAATGATCAAGAAGTTGGATGCCAGCTGTG[C>T]AGCGGTTTGTTTTTTTTATTGGCTGGATTAGTGTTTTACTGTTATTTAAAAAAACACAAA-3'
Protein context (NP_000042.3, residues 2314-2334): QMIKKLDASC[Ala2324Val]ANNPSLKLTY